The following is an entry in ClinVar:

ClinVar aggregate classification (germline): Pathogenic (1 of 4 stars; one submission).

Submission:

Labcorp Genetics (formerly Invitae), Labcorp
Classification: Pathogenic. Last evaluated: 2021-12-17. Review status: criteria provided, single submitter. Criteria: Invitae Variant Classification Sherloc (09022015). Collection method: clinical testing. Allele origin: germline.
Comment: This sequence change creates a premature translational stop signal (p.Ser366Glufs*9) in the RMND1 gene. It is expected to result in an absent or disrupted protein product. Loss-of-function variants in RMND1 are known to be pathogenic (PMID: 27412952). This variant is not present in population databases (gnomAD no frequency). This variant has not been reported in the literature in individuals affected with RMND1-related conditions. For these reasons, this variant has been classified as Pathogenic.

Literature cited by the submitters: PubMed 27412952.

NM_017909.4(RMND1):c.1094_1095insA (p.Ser366fs)

Gene: RMND1 (required for meiotic nuclear division 1 homolog; minus strand). Cytogenetic location: 6q25.1.
Variant type: Insertion.
Coding change: c.1094_1095insA on transcript NM_017909.4 (MANE Select); coding-DNA positions 1094 to 1095, A inserted.
Protein change: p.Ser366fs; shifts the reading frame from serine 366.
Molecular consequence: frameshift variant.
Genome position: GRCh38 VCF-style: chr6-151417384-C-CT. GRCh37 (hg19) VCF-style: chr6-151738519-C-CT.
Other names: c.584_585insA, p.Ser196fs (NM_001271937.2); short protein forms S196fs, S366fs.
Identifiers: ClinVar variation 1974729 (VCV001974729.5), dbSNP rs2485884567, ClinGen allele CA2580075194.